The following is an entry in ClinVar:

NM_002439.5(MSH3):c.2935A>G (p.Arg979Gly)

Gene: MSH3 (mutS homolog 3; plus strand). Cytogenetic location: 5q14.1.
Variant type: single nucleotide variant.
Coding change: c.2935A>G on transcript NM_002439.5 (MANE Select); coding-DNA position 2935, A replaced by G.
Protein change: p.Arg979Gly; replaces arginine 979 with glycine.
Molecular consequence: missense variant.
Genome position (GRCh38, 1-based): chr5:80,854,251, A>G. VCF-style: chr5-80854251-A-G. GRCh37 (hg19) VCF-style: chr5-80150070-A-G.
Other names: short protein forms R979G.
Identifiers: ClinVar variation 1797857 (VCV001797857.7), dbSNP rs1745879280, ClinGen allele CA360275722.

ClinVar aggregate classification (germline): Uncertain significance. Review status: criteria provided, multiple submitters, no conflicts (2 of 4 stars). 2 submissions from 2 submitters: Uncertain significance (2). Last evaluated 2025-04-07.

Conditions:
Hereditary cancer-predisposing syndrome. Also called: Neoplastic Syndromes, Hereditary; Tumor predisposition; Hereditary Cancer Syndrome; Hereditary neoplastic syndrome. Identifiers: Orphanet 140162, MedGen C0027672, MeSH D009386, MONDO:0015356.

Submissions (2):

Labcorp Genetics (formerly Invitae), Labcorp
Classification: Uncertain significance. Last evaluated: 2025-04-07. Review status: criteria provided, single submitter. Criteria: Invitae Variant Classification Sherloc (09022015). Collection method: clinical testing. Allele origin: germline.
Comment: This sequence change replaces arginine, which is basic and polar, with glycine, which is neutral and non-polar, at codon 979 of the MSH3 protein (p.Arg979Gly). This variant is not present in population databases (gnomAD no frequency). This variant has not been reported in the literature in individuals affected with MSH3-related conditions. ClinVar contains an entry for this variant (Variation ID: 1797857). An algorithm developed to predict the effect of missense changes on protein structure and function (PolyPhen-2) suggests that this variant is likely to be disruptive. In summary, the available evidence is currently insufficient to determine the role of this variant in disease. Therefore, it has been classified as a Variant of Uncertain Significance.

Ambry Genetics
Classification: Uncertain significance for Hereditary cancer-predisposing syndrome. Last evaluated: 2022-10-29. Review status: criteria provided, single submitter. Criteria: Ambry Variant Classification Scheme 2023. Collection method: clinical testing. Allele origin: germline.
Comment: The p.R979G variant (also known as c.2935A>G), located in coding exon 21 of the MSH3 gene, results from an A to G substitution at nucleotide position 2935. The arginine at codon 979 is replaced by glycine, an amino acid with dissimilar properties. This amino acid position is conserved. In addition, this alteration is predicted to be deleterious by in silico analysis. Since supporting evidence is limited at this time, the clinical significance of this alteration remains unclear.